The following is an entry in ClinVar:

ClinVar aggregate classification (germline): Likely pathogenic (1 of 4 stars; one submission).

Conditions:
Heterotopia, periventricular, X-linked dominant (PVNH1). Also called: PERIVENTRICULAR NODULAR HETEROTOPIA 1; X-linked periventricular heterotopia; PERIVENTRICULAR NODULAR HETEROTOPIA 4; HETEROTOPIA, PERIVENTRICULAR, 1. Identifiers: Orphanet 2149, Orphanet 82004, MedGen C1848213, MONDO:0010233, OMIM 300049.
Melnick-Needles syndrome (MNS). Also called: Melnick-Needles Syndrome (FLNA-MNS); MELNICK-NEEDLES OSTEODYSPLASTY; OSTEODYSPLASTY OF MELNICK AND NEEDLES. Identifiers: Orphanet 2484, MedGen C0025237, MONDO:0010650, OMIM 309350.
Frontometaphyseal dysplasia (FMD1). Identifiers: Orphanet 1826, MedGen C0265293, MONDO:0015942.
Oto-palato-digital syndrome, type II (OPD2). Also called: Otopalatodigital Syndrome Type 2 (FLNA-OPD2); FACIOPALATOOSSEOUS SYNDROME; OPD II SYNDROME; Otopalatodigital Syndrome, Type II. Identifiers: Orphanet 669, Orphanet 90652, MedGen C1844696, MONDO:0010571, OMIM 304120.

Submission:

Labcorp Genetics (formerly Invitae), Labcorp
Classification: Likely pathogenic for Oto-palato-digital syndrome, type II; Heterotopia, periventricular, X-linked dominant; Frontometaphyseal dysplasia; Melnick-Needles syndrome. Last evaluated: 2024-02-21. Review status: criteria provided, single submitter. Criteria: Invitae Variant Classification Sherloc (09022015). Collection method: clinical testing. Allele origin: germline.
Comment: This sequence change affects a donor splice site in intron 22 of the FLNA gene. It is expected to disrupt RNA splicing. Variants that disrupt the donor or acceptor splice site typically lead to a loss of protein function (PMID: 16199547), and loss-of-function variants in FLNA are known to be pathogenic (PMID: 16684786, 20730588, 26471271). This variant is not present in population databases (gnomAD no frequency). Disruption of this splice site has been observed in individual(s) with FLNA-related conditions (Invitae). Algorithms developed to predict the effect of sequence changes on RNA splicing suggest that this variant may disrupt the consensus splice site. In summary, the currently available evidence indicates that the variant is pathogenic, but additional data are needed to prove that conclusively. Therefore, this variant has been classified as Likely Pathogenic.

Literature cited by the submitters: PubMed 16199547; PubMed 16684786; PubMed 20730588; PubMed 26471271.

NM_001110556.2(FLNA):c.3805+1G>A

Gene: FLNA (filamin A; minus strand). Cytogenetic location: Xq28.
Variant type: single nucleotide variant.
Coding change: c.3805+1G>A on transcript NM_001110556.2 (MANE Select); the canonical splice donor site of the intron after coding-DNA position 3805, G replaced by A.
Molecular consequence: splice donor variant.
Genome position (GRCh38, 1-based): chrX:154,359,989, C>T on the plus strand (G>A on the coding strand, the complement: FLNA is on the minus strand). VCF-style: chrX-154359989-C-T. GRCh37 (hg19) VCF-style: chrX-153588357-C-T.
Other names: c.3805+1G>A (NM_001456.4).
Identifiers: ClinVar variation 2954529 (VCV002954529.3), dbSNP rs2522740258, ClinGen allele CA415222471.